The following is an entry in ClinVar:

ClinVar aggregate classification (germline): Likely benign. Review status: criteria provided, multiple submitters, no conflicts (2 of 4 stars). 2 submissions from 2 submitters: Likely benign (2). Last evaluated 2023-04-01.

gnomAD v4.1: 10 of 1,613,858 alleles (0.00062%); highest among the groups gnomAD compares: Middle Eastern, 0.13%; no homozygotes.

Submissions (2):

CeGaT Center for Human Genetics Tuebingen
Classification: Likely benign. Last evaluated: 2023-04-01. Review status: criteria provided, single submitter. Criteria: CeGaT Center For Human Genetics Tuebingen Variant Classification Criteria Version 2. Collection method: clinical testing. Allele origin: germline. Affected: yes. Observed: 1 variant allele.
Comment: TMC1: PM2:Supporting, BP4, BP7

Blueprint Genetics
Classification: Likely benign. Last evaluated: 2022-09-26. Review status: criteria provided, single submitter. Criteria: ACMG Guidelines, 2015. Collection method: clinical testing. Allele origin: germline.

NM_138691.3(TMC1):c.1599G>A (p.Leu533=)

Gene: TMC1 (transmembrane channel like 1; plus strand). Cytogenetic location: 9q21.13.
Variant type: single nucleotide variant.
Coding change: c.1599G>A on transcript NM_138691.3 (MANE Select); coding-DNA position 1599, G replaced by A.
Protein change: p.Leu533=; no amino-acid change (leucine 533 retained).
Molecular consequence: synonymous variant.
Genome position (GRCh38, 1-based): chr9:72,805,414, G>A. VCF-style: chr9-72805414-G-A. GRCh37 (hg19) VCF-style: chr9-75420330-G-A.
Identifiers: ClinVar variation 2659256 (VCV002659256.25), dbSNP rs868570521, ClinGen allele CA193290398.
Genomic context (GRCh38, chr9:72,805,414, plus strand): 5'-TGTTTTAATAGAGATAATATCTCAACAGGAGTTTGTGAGGCTGACAGTCTCTGATGTTCT[G>A]ACCACCTACGTCACAATCCTCATTGGGGACTTTCTAAGGGCATGTTTTGTGAGGTTTTGC-3'
Protein context (NP_619636.2, residues 523-543): EFVRLTVSDV[Leu533=]TTYVTILIGD